The following is an entry in ClinVar:

ClinVar aggregate classification (germline): Uncertain significance. Review status: criteria provided, multiple submitters, no conflicts (2 of 4 stars). 3 submissions from 3 submitters: Uncertain significance (3). Last evaluated 2024-11-09.

Conditions:
Autosomal recessive spinocerebellar ataxia 12. Also called: SPINOCEREBELLAR ATAXIA WITH MENTAL RETARDATION AND EPILEPSY. Identifiers: Orphanet 284282, MedGen C3280452, MONDO:0013687, OMIM 614322.
Developmental and epileptic encephalopathy, 1 (DEE1). Also called: X-linked infantile spasms; West's syndrome; Tonic spasms with clustering, arrest of psychomotor development and hypsarrhythmia on EEG; X-Linked Infantile Spasm Syndrome; OHTAHARA SYNDROME, X-LINKED; INFANTILE SPASM SYNDROME, X-LINKED 1. Identifiers: MedGen C3463992, MONDO:0010632, OMIM 308350. Disease mechanism: loss of function.
Inborn genetic diseases. Identifiers: MedGen C0950123, MeSH D030342.

Allele frequency attached by ClinVar (database versions not stated): gnomAD exomes 0.00001 and 0.00003; TOPMed 0.00002; gnomAD 0.00003; ExAC 0.00005; ESP Exome Variant Server 0.00008; 1000 Genomes Project 30x 0.00016; 1000 Genomes Project 0.00020.
gnomAD v4.1: 19 of 1,614,214 alleles (0.0012%); highest among the groups gnomAD compares: Admixed American, 0.01%; no homozygotes.

Submissions (3):

Ambry Genetics
Classification: Uncertain significance for Inborn genetic diseases. Last evaluated: 2024-11-09. Review status: criteria provided, single submitter. Criteria: Ambry Variant Classification Scheme 2023. Collection method: clinical testing. Allele origin: germline.

Labcorp Genetics (formerly Invitae), Labcorp
Classification: Uncertain significance for Developmental and epileptic encephalopathy, 1; Autosomal recessive spinocerebellar ataxia 12. Last evaluated: 2024-10-15. Review status: criteria provided, single submitter. Criteria: Invitae Variant Classification Sherloc (09022015). Collection method: clinical testing. Allele origin: germline.
Comment: This sequence change replaces methionine, which is neutral and non-polar, with threonine, which is neutral and polar, at codon 326 of the WWOX protein (p.Met326Thr). This variant is present in population databases (rs371996496, gnomAD 0.01%). This variant has not been reported in the literature in individuals affected with WWOX-related conditions. ClinVar contains an entry for this variant (Variation ID: 657131). Invitae Evidence Modeling of protein sequence and biophysical properties (such as structural, functional, and spatial information, amino acid conservation, physicochemical variation, residue mobility, and thermodynamic stability) indicates that this missense variant is not expected to disrupt WWOX protein function with a negative predictive value of 80%. In summary, the available evidence is currently insufficient to determine the role of this variant in disease. Therefore, it has been classified as a Variant of Uncertain Significance.

GeneDx
Classification: Uncertain significance. Last evaluated: 2024-03-08. Review status: criteria provided, single submitter. Criteria: GeneDx Variant Classification Process June 2021. Collection method: clinical testing. Allele origin: germline. Affected: yes.
Comment: Not observed at significant frequency in large population cohorts (gnomAD); In silico analysis supports that this missense variant has a deleterious effect on protein structure/function; Has not been previously published as pathogenic or benign to our knowledge; This variant is associated with the following publications: (PMID: 25411445)

NM_016373.4(WWOX):c.977T>C (p.Met326Thr)

Gene: WWOX (WW domain containing oxidoreductase; plus strand). Cytogenetic location: 16q23.1.
Variant type: single nucleotide variant.
Coding change: c.977T>C on transcript NM_016373.4 (MANE Select); coding-DNA position 977, T replaced by C.
Protein change: p.Met326Thr; replaces methionine 326 with threonine.
Molecular consequence: missense variant.
Genome position (GRCh38, 1-based): chr16:78,432,673, T>C. VCF-style: chr16-78432673-T-C. GRCh37 (hg19) VCF-style: chr16-78466570-T-C.
Other names: c.638T>C, p.Met213Thr (NM_001291997.2); c.977T>C (NM_016373.2); short protein forms M213T, M326T.
Identifiers: ClinVar variation 657131 (VCV000657131.11), dbSNP rs371996496, ClinGen allele CA8183587.